The following is an entry in ClinVar:

NM_017654.4(SAMD9):c.3985G>A (p.Val1329Ile)

Gene: SAMD9 (sterile alpha motif domain containing 9; minus strand). Cytogenetic location: 7q21.2.
Variant type: single nucleotide variant.
Coding change: c.3985G>A on transcript NM_017654.4 (MANE Select); coding-DNA position 3985, G replaced by A.
Protein change: p.Val1329Ile; replaces valine 1329 with isoleucine.
Molecular consequence: missense variant.
Genome position (GRCh38, 1-based): chr7:93,102,113, C>T on the plus strand (G>A on the coding strand, the complement: SAMD9 is on the minus strand). VCF-style: chr7-93102113-C-T. GRCh37 (hg19) VCF-style: chr7-92731426-C-T.
Other names: c.3985G>A, p.Val1329Ile (NM_001193307.2); short protein forms V1329I.
Identifiers: ClinVar variation 2801586 (VCV002801586.1), dbSNP rs2535354294, ClinGen allele CA368181386.

ClinVar aggregate classification (germline): Uncertain significance (1 of 4 stars; one submission).

Submission:

Labcorp Genetics (formerly Invitae), Labcorp
Classification: Uncertain significance. Last evaluated: 2024-01-09. Review status: criteria provided, single submitter. Criteria: Invitae Variant Classification Sherloc (09022015). Collection method: clinical testing. Allele origin: germline.
Comment: This sequence change replaces valine, which is neutral and non-polar, with isoleucine, which is neutral and non-polar, at codon 1329 of the SAMD9 protein (p.Val1329Ile). This variant is not present in population databases (gnomAD no frequency). This variant has not been reported in the literature in individuals affected with SAMD9-related conditions. Advanced modeling of protein sequence and biophysical properties (such as structural, functional, and spatial information, amino acid conservation, physicochemical variation, residue mobility, and thermodynamic stability) performed at Invitae indicates that this missense variant is not expected to disrupt SAMD9 protein function with a negative predictive value of 95%. In summary, the available evidence is currently insufficient to determine the role of this variant in disease. Therefore, it has been classified as a Variant of Uncertain Significance.